The following is an entry in ClinVar:

ClinVar aggregate classification (germline): Conflicting classifications of pathogenicity. Review status: criteria provided, conflicting classifications (1 of 4 stars). 9 submissions from 9 submitters: Uncertain significance (6); Likely benign (2). 1 of the submissions does not count toward it. Last evaluated 2026-01-30.

Conditions:
Hereditary breast ovarian cancer syndrome. Also called: Hereditary breast and ovarian cancer syndrome; Hereditary breast and ovarian cancer syndrome (HBOC); BRCA1- and BRCA2-Associated Hereditary Breast and Ovarian Cancer; Breast and ovarian cancer; Hereditary breast and ovarian cancer; Hereditary breast and/or ovarian cancer syndrome. Identifiers: Orphanet 145, MedGen C0677776, MeSH D061325, MONDO:0003582. Disease mechanism: loss of function.
Breast-ovarian cancer, familial, susceptibility to, 1 (BROVCA1). Also called: OVARIAN CANCER, SUSCEPTIBILITY TO; BRCA1 Hereditary Breast and Ovarian Cancer. Identifiers: Orphanet 145, MedGen C2676676, MONDO:0011450, OMIM 604370. Disease mechanism: loss of function.
Hereditary cancer-predisposing syndrome. Also called: Hereditary Cancer Syndrome; Hereditary neoplastic syndrome; Tumor predisposition; Neoplastic Syndromes, Hereditary. Identifiers: Orphanet 140162, MedGen C0027672, MeSH D009386, MONDO:0015356.

Allele frequency attached by ClinVar (database versions not stated): gnomAD exomes below 0.00001 and 0.00001; gnomAD 0.00001; TOPMed 0.00002; 1000 Genomes Project 30x 0.00016; 1000 Genomes Project 0.00020; ExAC 0.00002.
gnomAD v4.1: 8 of 1,613,636 alleles (0.0005%); highest among the groups gnomAD compares: African/African-American, 0.0093%; no homozygotes.

Submissions (9):

Women's Health and Genetics/Laboratory Corporation of America, LabCorp
Classification: Uncertain significance. Last evaluated: 2026-01-30. Review status: criteria provided, single submitter. Criteria: LabCorp Variant Classification Summary - May 2015. Collection method: clinical testing. Allele origin: germline.
Comment: Variant summary: BRCA1 c.1713A>G (p.Ile571Met) results in a conservative amino acid change in the encoded protein sequence. Algorithms developed to predict the effect of missense changes on protein structure and function are either unavailable or do not agree on the potential impact of this missense change. The variant allele was found at a frequency of 8e-06 in 250736 control chromosomes. The available data on variant occurrences in the general population are insufficient to allow any conclusion about variant significance. c.1713A>G has been observed at least one individual with a personal and/or family history of clinical features of Hereditary Breast And Ovarian Cancer Syndrome (Carvalho_2023). This report does not provide unequivocal conclusions about association of the variant with Hereditary Breast And Ovarian Cancer Syndrome. To our knowledge, no experimental evidence demonstrating an impact on protein function has been reported. The following publication has been ascertained in the context of this evaluation (PMID: 36977404). ClinVar contains an entry for this variant (Variation ID: 186051). Based on the evidence outlined above, the variant was classified as uncertain significance.

Labcorp Genetics (formerly Invitae), Labcorp
Classification: Uncertain significance for Hereditary breast ovarian cancer syndrome. Last evaluated: 2025-12-08. Review status: criteria provided, single submitter. Criteria: Invitae Variant Classification Sherloc (09022015). Collection method: clinical testing. Allele origin: germline.
Comment: This sequence change replaces isoleucine, which is neutral and non-polar, with methionine, which is neutral and non-polar, at codon 571 of the BRCA1 protein (p.Ile571Met). This variant is present in population databases (rs552505690, gnomAD 0.007%). This variant has not been reported in the literature in individuals affected with BRCA1-related conditions. ClinVar contains an entry for this variant (Variation ID: 186051). Invitae Evidence Modeling of protein sequence and biophysical properties (such as structural, functional, and spatial information, amino acid conservation, physicochemical variation, residue mobility, and thermodynamic stability) indicates that this missense variant is not expected to disrupt BRCA1 protein function with a negative predictive value of 80%. In summary, the available evidence is currently insufficient to determine the role of this variant in disease. Therefore, it has been classified as a Variant of Uncertain Significance.

Ambry Genetics
Classification: Uncertain significance for Hereditary cancer-predisposing syndrome. Last evaluated: 2025-11-11. Review status: criteria provided, single submitter. Criteria: Ambry Variant Classification Scheme 2023. Collection method: clinical testing. Allele origin: germline.
Comment: The p.I571M variant (also known as c.1713A>G), located in coding exon 9 of the BRCA1 gene, results from an A to G substitution at nucleotide position 1713. The isoleucine at codon 571 is replaced by methionine, an amino acid with highly similar properties. This alteration was reported in a cohort of Brazilian patients who underwent multigene panel testing due to a personal and/or family history of breast, ovarian, endometrial or other cancers (Carvalho CM et al. Rev Bras Ginecol Obstet, 2023 Feb;45:74-81). This amino acid position is poorly conserved in available vertebrate species. In addition, the in silico prediction for this alteration is inconclusive. Since supporting evidence is limited at this time, the clinical significance of this alteration remains unclear.

Quest Diagnostics Nichols Institute San Juan Capistrano
Classification: Uncertain significance. Last evaluated: 2025-09-08. Review status: criteria provided, single submitter. Criteria: Quest Diagnostics criteria. Collection method: clinical testing. Allele origin: unknown.
Comment: The BRCA1 c.1713A>G (p.Ile571Met) variant has been reported in the published literature in individuals suspected of a hereditary cancer syndrome (PMID: 31853058 (2020), 36977404 (2023)). This variant has also been reported to be located in a region of the BRCA1 gene that is tolerant to missense sequence changes (PMID: 31911673 (2020)). The frequency of this variant in the general population (Genome Aggregation Database) is uninformative in the assessment of its pathogenicity. Analysis of this variant using bioinformatics tools for the prediction of the effect of amino acid changes on protein structure and function yielded predictions that this variant is benign. Based on the available information, we are unable to determine the clinical significance of this variant.

Dasa
Classification: Uncertain significance for Breast-ovarian cancer, familial, susceptibility to, 1. Last evaluated: 2025-06-02. Review status: criteria provided, single submitter. Criteria: DASA Assertion Criteria. Collection method: clinical testing. Allele origin: germline.
Comment: NM_007294.4(BRCA1):c.1713A>G (p.Ile571Met) is a missense variant that results in the substitution of isoleucine with methionine. This variant is rare in population databases. The currently available literature and clinical evidence are not sufficient to establish a definitive association between this variant and the reported condition. Therefore, this variant is classified as a variant of uncertain significance.

GeneDx
Classification: Uncertain significance. Last evaluated: 2023-11-06. Review status: criteria provided, single submitter. Criteria: GeneDx Variant Classification Process June 2021. Collection method: clinical testing. Allele origin: germline.
Comment: Not observed at significant frequency in large population cohorts (gnomAD); In silico analysis supports that this missense variant does not alter protein structure/function; Also known as 1832A>G; This variant is associated with the following publications: (PMID: 31911673, 32377563, 29884841, 30630528, 15343273, 36977404, 31853058)

University of Washington Department of Laboratory Medicine, University of Washington
Classification: Likely benign for Hereditary cancer-predisposing syndrome. Last evaluated: 2023-03-23. Review status: criteria provided, single submitter. Criteria: Dines et al. (Genet Med. 2020). Collection method: curation. Allele origin: germline.
Comment: Missense variant in a coldspot region where missense variants are very unlikely to be pathogenic (PMID:31911673).

BRCA1 coldspot (exon 11 using historical exon numbering). Reclassification based on statistical prior probability

Color Diagnostics, LLC DBA Color Health
Classification: Likely benign for Hereditary cancer-predisposing syndrome. Last evaluated: 2016-05-22. Review status: criteria provided, single submitter. Criteria: ACMG Guidelines, 2015. Collection method: clinical testing. Allele origin: germline.

Counsyl
Classification: Uncertain significance for Breast-ovarian cancer, familial, susceptibility to, 1. Last evaluated: 2017-10-17. Review status: no assertion criteria provided. Collection method: clinical testing. Allele origin: unknown. Not counted in ClinVar's aggregate classification.

Literature cited by the submitters: PubMed 36977404 (cited by 3 submitters); PubMed 31911673 (cited by Quest Diagnostics Nichols Institute San Juan Capistrano); PubMed 31853058 (cited by Quest Diagnostics Nichols Institute San Juan Capistrano); PubMed 33087888 (cited by Quest Diagnostics Nichols Institute San Juan Capistrano).

NM_007294.4(BRCA1):c.1713A>G (p.Ile571Met)

Gene: BRCA1 (BRCA1 DNA repair associated; minus strand). Cytogenetic location: 17q21.31.
Variant type: single nucleotide variant.
Coding change: c.1713A>G on transcript NM_007294.4 (MANE Select); coding-DNA position 1713, A replaced by G.
Protein change: p.Ile571Met; replaces isoleucine 571 with methionine.
Molecular consequence: missense variant. On other transcripts: intron variant (137).
Genome position (GRCh38, 1-based): chr17:43,093,818, T>C on the plus strand (A>G on the coding strand, the complement: BRCA1 is on the minus strand). VCF-style: chr17-43093818-T-C. GRCh37 (hg19) VCF-style: chr17-41245835-T-C.
Other names: c.1710A>G, p.Ile570Met (NM_001407613.1, NM_001407614.1, NM_001407615.1 and 22 more transcripts); c.1713A>G, p.Ile571Met (NM_001407616.1, NM_001407617.1, NM_001407618.1 and 30 more transcripts); c.1635A>G, p.Ile545Met (NM_001407654.1, NM_001407655.1, NM_001407656.1 and 4 more transcripts); c.1632A>G, p.Ile544Met (NM_001407659.1, NM_001407660.1, NM_001407661.1 and 1 more transcripts); c.1587A>G, p.Ile529Met (NM_001407673.1, NM_001407649.1, NM_001407670.1 and 11 more transcripts); c.1590A>G, p.Ile530Met (NM_001407674.1, NM_001407675.1, NM_001407676.1 and 19 more transcripts); c.1572A>G, p.Ile524Met (NM_001407692.1, NM_001407694.1, NM_001407695.1 and 29 more transcripts); c.1569A>G, p.Ile523Met (NM_001407740.1, NM_001407741.1, NM_001407742.1 and 20 more transcripts); and 40 more; short protein forms I571M, I524M, I444M, I500M, I504M, I523M, I530M, I570M.
Identifiers: ClinVar variation 186051 (VCV000186051.29), dbSNP rs552505690, ClinGen allele CA001123.
Genomic context (GRCh38, chr17:43,093,818, plus strand): 5'-TATACTGCTGCTTATAGGTTCAGCTTTCGTTTTGAAAGCAGATTCTTTTTCGAGTGATTC[T>C]ATTGGGTTAGGATTTTTCTCATTCTGAATAGAATCACCTTTTGTTTTATTCTCATGACCA-3'
Protein context (NP_009225.1, residues 561-581): SIQNEKNPNP[Ile571Met]ESLEKESAFK